The following is an entry in ClinVar:

ClinVar aggregate classification (germline): Uncertain significance. Review status: criteria provided, single submitter (1 of 4 stars). 2 submissions from 2 submitters: Uncertain significance (1). 1 of the submissions does not count toward it. Last evaluated 2025-10-28.

Allele frequency attached by ClinVar (database versions not stated): gnomAD exomes 0.00001; ExAC 0.00001.
gnomAD v4.1: 22 of 1,351,680 alleles (0.0016%); highest among the groups gnomAD compares: Middle Eastern, 0.06%; no homozygotes.

Submissions (2):

Ambry Genetics
Classification: Uncertain significance. Last evaluated: 2025-10-28. Review status: criteria provided, single submitter. Criteria: Ambry Variant Classification Scheme 2023. Collection method: clinical testing. Allele origin: germline.

ITMI
No classification provided. Condition: AllHighlyPenetrant. Last evaluated: 2013-09-19. Review status: no classification provided. Collection method: reference population. Allele origin: germline. Not counted in ClinVar's aggregate classification.
Comment: Please see associated publication for description of ethnicities

Literature cited by the submitters: PubMed 24728327 (cited by ITMI).

NM_001135608.3(ARHGAP26):c.2185G>A (p.Asp729Asn)

Gene: ARHGAP26 (Rho GTPase activating protein 26; plus strand). Cytogenetic location: 5q31.3.
Variant type: single nucleotide variant.
Coding change: c.2185G>A on transcript NM_001135608.3 (MANE Select); coding-DNA position 2185, G replaced by A.
Protein change: p.Asp729Asn; replaces aspartic acid 729 with asparagine.
Molecular consequence: missense variant. On other transcripts: non-coding transcript variant (1).
Genome position (GRCh38, 1-based): chr5:143,214,082, G>A. VCF-style: chr5-143214082-G-A. GRCh37 (hg19) VCF-style: chr5-142593647-G-A.
Other names: c.1966G>A, p.Asp656Asn (NM_001349547.2); c.2350G>A, p.Asp784Asn (NM_015071.6); c.2350G>A (NM_015071.4); short protein forms D784N, D729N, D656N.
Identifiers: ClinVar variation 133544 (VCV000133544.2), dbSNP rs587778049, ClinGen allele CA156906.